The following is an entry in ClinVar:

NM_000080.4(CHRNE):c.1319_1326+15del

Gene: CHRNE (cholinergic receptor nicotinic epsilon subunit; minus strand). Cytogenetic location: 17p13.2.
Variant type: Deletion.
Coding change: c.1319_1326+15del on transcript NM_000080.4 (MANE Select); coding-DNA position 1319 through 15 bases into the intron after coding-DNA position 1326, 23 bases deleted (CCGGCGAGGTGGGACAGGAGCCA).
Molecular consequence: splice donor variant.
Genome position (GRCh38, 1-based): chr17:4,898,986-4,899,008, TGGCTCCTGTCCCACCTCGCCGG deleted on the plus strand (CCGGCGAGGTGGGACAGGAGCCA on the coding strand, the reverse complement: CHRNE is on the minus strand); deleting any 23 consecutive bases within chr17:4,898,986-4,899,012 gives the same sequence; the c. name uses the placement nearest the transcript's 3' end. VCF-style (leftmost placement, unchanged base first): chr17-4898985-CTGGCTCCTGTCCCACCTCGCCGG-C. GRCh37 (hg19) VCF-style: chr17-4802280-CTGGCTCCTGTCCCACCTCGCCGG-C.
Other names: c.1319_1326+15del23 (NM_000080.4); c.1319_1326+15delCCGGCGAGGTGGGACAGGAGCCA (NM_000080.3).
Identifiers: ClinVar variation 663330 (VCV000663330.54), dbSNP rs1208462125, ClinGen allele CA624855808.

ClinVar aggregate classification (germline): Pathogenic/Likely pathogenic. Review status: criteria provided, multiple submitters, no conflicts (2 of 4 stars). 7 submissions from 7 submitters: Pathogenic (5); Likely pathogenic (2). Last evaluated 2026-02-18.

Conditions:
Congenital myasthenic syndrome 4B. Also called: Myasthenic syndrome, congenital, 4b, fast-channel. Identifiers: Orphanet 590, MedGen C4225369, MONDO:0014586, OMIM 616324.
Congenital myasthenic syndrome 4C (CMS4C). Also called: Myasthenic syndrome, congenital, associated with acetylcholine receptor deficiency. Identifiers: Orphanet 590, MedGen C1837091, MONDO:0012157, OMIM 608931.
Congenital myasthenic syndrome 4A. Also called: Myasthenic syndrome, congenital, 4a, slow-channel; MYASTHENIC SYNDROME, CONGENITAL, 4A, SLOW-CHANNEL, AUTOSOMAL RECESSIVE; CONGENITAL MYASTHENIC SYNDROME TYPE Ia1. Identifiers: Orphanet 590, MedGen C4225413, MONDO:0011600, OMIM 605809.
Congenital myasthenic syndrome (CMS). Also called: Congenital Myasthenic Syndromes. Identifiers: Orphanet 590, MedGen C0751882, MeSH D020294, MONDO:0018940.

Submissions (7):

Myriad Genetics, Inc.
Classification: Pathogenic for Congenital myasthenic syndrome. Last evaluated: 2026-02-18. Review status: criteria provided, single submitter. Criteria: Myriad Autosomal Dominant, Autosomal Recessive and X-Linked Classification Criteria (2023). Collection method: clinical testing. Allele origin: unknown.
Comment: NM_000080.3(CHRNE):c.1319_1326+15del23 is a variant in a canonical splice site classified as pathogenic in the context of congenital myasthenic syndrome, CHRNE-related. c.1319_1326+15del23 has been observed in cases with relevant disease (PMID: 28464723, 16061559). Relevant functional assessments of this variant are available in the literature (PMID: 16061559). c.1319_1326+15del23 has not been observed in referenced population frequency databases. In summary, NM_000080.3(CHRNE):c.1319_1326+15del23 is a variant in a canonical splice site in a gene where loss of function is a known mechanism of disease, is predicted to disrupt protein function, and has been observed more frequently in cases with the relevant disease than in healthy populations. Please note: this variant was assessed in the context of healthy population screening.

Women's Health and Genetics/Laboratory Corporation of America, LabCorp
Classification: Pathogenic for Congenital myasthenic syndrome. Last evaluated: 2025-12-17. Review status: criteria provided, single submitter. Criteria: LabCorp Variant Classification Summary - May 2015. Collection method: clinical testing. Allele origin: germline.
Comment: Variant summary: CHRNE c.1319_1326+15del23 is located in a canonical splice-site and is predicted to affect mRNA splicing resulting in a significantly altered protein due to either exon skipping, shortening, or inclusion of intronic material. Variants that disrupt the consensus splice site are a relatively common cause of aberrant splicing and loss of CHRNE function. Several computational tools predict a significant impact on normal splicing: Four predict the variant abolishes a 5' splicing donor site. At least one publication reports experimental evidence that this variant affects mRNA splicing. The frequency data for this variant in gnomAD is considered unreliable, as metrics indicate poor data quality at this position. c.1319_1326+15del23 has been observed in individual(s) affected with Congenital Myasthenic Syndrome. These data indicate that the variant may be associated with disease. The following publications have been ascertained in the context of this evaluation (PMID: 16061559, 28464723). ClinVar contains an entry for this variant (Variation ID: 663330). Based on the evidence outlined above, the variant was classified as pathogenic.

Natera, Inc.
Classification: Pathogenic for Congenital myasthenic syndrome. Last evaluated: 2024-10-28. Review status: criteria provided, single submitter. Criteria: Natera Variant Classification Schema (03/2026). Collection method: clinical testing. Allele origin: germline.
Comment: The c.1319_1326+15delCCGGCGAGGTGGGACAGGAGCCA variant in CHRNE is a deletion affecting a canonical splice donor site. This variant is expected to result in nonsense mediated decay, truncation, or a dysfunctional protein product. This variant is rare in the general population with a frequency below the threshold expected for the associated phenotype(s). This variant has been observed in one or more individuals affected with the associated recessive disease, as either homozygous or compound heterozygous with a second variant (PMID: 28464723, 16061559). Functional studies show that this variant may disrupt protein function (PMID: 16061559). Given the available evidence, this variant is classified as Pathogenic.

Baylor Genetics
Classification: Pathogenic for Congenital myasthenic syndrome 4A. Last evaluated: 2023-12-14. Review status: criteria provided, single submitter. Criteria: ACMG Guidelines, 2015. Collection method: clinical testing. Allele origin: unknown.

Labcorp Genetics (formerly Invitae), Labcorp
Classification: Pathogenic for Congenital myasthenic syndrome 4A. Last evaluated: 2023-09-05. Review status: criteria provided, single submitter. Criteria: Invitae Variant Classification Sherloc (09022015). Collection method: clinical testing. Allele origin: germline.
Comment: For these reasons, this variant has been classified as Pathogenic. This variant disrupts a region of the CHRNE protein in which other variant(s) (p.Asn452Glufs*4) have been determined to be pathogenic (PMID: 8957026, 15951177, 19064877, 21175599, 28024842, 29054425). This suggests that this is a clinically significant region of the protein, and that variants that disrupt it are likely to be disease-causing. Variants that disrupt the consensus splice site are a relatively common cause of aberrant splicing (PMID: 17576681, 9536098). ClinVar contains an entry for this variant (Variation ID: 663330). This variant has been observed in individual(s) with congenital myasthenic syndrome (Invitae). In at least one individual the data is consistent with being in trans (on the opposite chromosome) from a pathogenic variant. The frequency data for this variant in the population databases is considered unreliable, as metrics indicate poor data quality at this position in the gnomAD database. This variant results in the deletion of part of exon 11 (c.1319_1326+15del) of the CHRNE gene. While this variant is not anticipated to result in nonsense mediated decay, it likely alters RNA splicing and results in a disrupted protein product.

Kariminejad - Najmabadi Pathology & Genetics Center
Classification: Likely pathogenic for Congenital myasthenic syndrome 4A; Congenital myasthenic syndrome 4B; Congenital myasthenic syndrome 4C. Last evaluated: 2021-07-08. Review status: criteria provided, single submitter. Criteria: ACMG Guidelines, 2015. Collection method: clinical testing. Allele origin: germline. Inheritance: Autosomal recessive inheritance. Affected: yes.
Comment: PVS1,PM2

CeGaT Center for Human Genetics Tuebingen
Classification: Likely pathogenic. Last evaluated: 2018-07-01. Review status: criteria provided, single submitter. Criteria: CeGaT Center For Human Genetics Tuebingen Variant Classification Criteria Version 2. Collection method: clinical testing. Allele origin: germline. Affected: yes. Observed: 1 variant allele.

Literature cited by the submitters: PubMed 16061559 (cited by 3 submitters); PubMed 28464723 (cited by 3 submitters); PubMed 8957026 (cited by Labcorp Genetics (formerly Invitae), Labcorp); PubMed 15951177 (cited by Labcorp Genetics (formerly Invitae), Labcorp); PubMed 19064877 (cited by Labcorp Genetics (formerly Invitae), Labcorp); PubMed 21175599 (cited by Labcorp Genetics (formerly Invitae), Labcorp); PubMed 28024842 (cited by Labcorp Genetics (formerly Invitae), Labcorp); PubMed 29054425 (cited by Labcorp Genetics (formerly Invitae), Labcorp); PubMed 17576681 (cited by Labcorp Genetics (formerly Invitae), Labcorp); PubMed 9536098 (cited by Labcorp Genetics (formerly Invitae), Labcorp).